The following is an entry in ClinVar:

ClinVar aggregate classification (germline): Likely pathogenic (1 of 4 stars; one submission).

Submission:

Mayo Clinic Laboratories, Mayo Clinic
Classification: Likely pathogenic. Last evaluated: 2022-01-18. Review status: criteria provided, single submitter. Criteria: ACMG Guidelines, 2015. Collection method: clinical testing. Allele origin: germline.
Comment: PP3, PM2, PM5, PS4_Moderate

Literature cited by the submitters: PubMed 16601827; PubMed 16786531; PubMed 33245802; PubMed 32897612; PubMed 32596782.

NM_000132.4(F8):c.5816C>A (p.Ala1939Glu)

Gene: F8 (coagulation factor VIII; minus strand). Cytogenetic location: Xq28.
Variant type: single nucleotide variant.
Coding change: c.5816C>A on transcript NM_000132.4 (MANE Select); coding-DNA position 5816, C replaced by A.
Protein change: p.Ala1939Glu; replaces alanine 1939 with glutamic acid.
Molecular consequence: missense variant.
Genome position (GRCh38, 1-based): chrX:154,904,088, G>T on the plus strand (C>A on the coding strand, the complement: F8 is on the minus strand). VCF-style: chrX-154904088-G-T. GRCh37 (hg19) VCF-style: chrX-154132363-G-T.
Other names: p.Ala1939Glu; short protein forms A1939E.
Identifiers: ClinVar variation 1705972 (VCV001705972.4), dbSNP rs1487941652, ClinGen allele CA414906727.